The following is an entry in ClinVar:

NM_138773.4(SLC25A46):c.740T>C (p.Val247Ala)

Gene: SLC25A46 (solute carrier family 25 member 46; plus strand). Cytogenetic location: 5q22.1.
Variant type: single nucleotide variant.
Coding change: c.740T>C on transcript NM_138773.4 (MANE Select); coding-DNA position 740, T replaced by C.
Protein change: p.Val247Ala; replaces valine 247 with alanine.
Molecular consequence: missense variant. On other transcripts: non-coding transcript variant (1), intron variant (1).
Genome position (GRCh38, 1-based): chr5:110,761,265, T>C. VCF-style: chr5-110761265-T-C. GRCh37 (hg19) VCF-style: chr5-110096965-T-C.
Other names: c.467T>C, p.Val156Ala (NM_001303250.3); c.679-182T>C (NM_001303249.3); short protein forms V247A, V156A.
Identifiers: ClinVar variation 1035517 (VCV001035517.9), dbSNP rs1308587017, ClinGen allele CA360696106.

ClinVar aggregate classification (germline): Uncertain significance (1 of 4 stars; one submission).

Conditions:
Neuropathy, hereditary motor and sensory, type 6B (HMSN6B). Also called: NEUROPATHY, HEREDITARY MOTOR AND SENSORY, TYPE VIB, WITH OPTIC ATROPHY; HMSN VIB; CHARCOT-MARIE-TOOTH DISEASE, TYPE 6B; Neuropathy, hereditary motor and sensory, type VIB. Identifiers: MedGen C4225302, MONDO:0014671, OMIM 616505.

Allele frequency attached by ClinVar (database versions not stated): gnomAD exomes 0.00001.
gnomAD v4.1: 1 of 1,613,474 alleles (0.000062%); highest among the groups gnomAD compares: Admixed American, 0.0017%; no homozygotes.

Submission:

Labcorp Genetics (formerly Invitae), Labcorp
Classification: Uncertain significance for Neuropathy, hereditary motor and sensory, type 6B. Last evaluated: 2020-08-20. Review status: criteria provided, single submitter. Criteria: Invitae Variant Classification Sherloc (09022015). Collection method: clinical testing. Allele origin: germline.
Comment: This sequence change replaces valine with alanine at codon 247 of the SLC25A46 protein (p.Val247Ala). The valine residue is moderately conserved and there is a small physicochemical difference between valine and alanine. This variant is not present in population databases (ExAC no frequency). This variant has not been reported in the literature in individuals with SLC25A46-related conditions. Algorithms developed to predict the effect of missense changes on protein structure and function output the following: SIFT: "Deleterious"; PolyPhen-2: "Benign"; Align-GVGD: "Class C25". The alanine amino acid residue is found in multiple mammalian species, suggesting that this missense change does not adversely affect protein function. These predictions have not been confirmed by published functional studies and their clinical significance is uncertain. In summary, the available evidence is currently insufficient to determine the role of this variant in disease. Therefore, it has been classified as a Variant of Uncertain Significance.